The following is an entry in ClinVar:

ClinVar aggregate classification (germline): Conflicting classifications of pathogenicity. Review status: criteria provided, conflicting classifications (1 of 4 stars). 14 submissions from 14 submitters: Uncertain significance (8); Likely benign (3). 3 of the submissions do not count toward it. Last evaluated 2025-12-31.

Conditions:
BRCA2-related cancer predisposition. Identifiers: MedGen CN377758, MONDO:0700269.
BRCA2-related disorder. Also called: BRCA2-related condition; BRCA2-related disorders. Identifiers: MedGen CN239275.
Hereditary cancer-predisposing syndrome. Also called: Hereditary Cancer Syndrome; Neoplastic Syndromes, Hereditary; Hereditary neoplastic syndrome; Tumor predisposition. Identifiers: Orphanet 140162, MedGen C0027672, MeSH D009386, MONDO:0015356.
Hereditary breast ovarian cancer syndrome. Also called: Hereditary breast and ovarian cancer syndrome; Breast and ovarian cancer; BRCA1- and BRCA2-Associated Hereditary Breast and Ovarian Cancer; Hereditary breast and/or ovarian cancer syndrome; Hereditary breast and ovarian cancer; Hereditary breast and ovarian cancer syndrome (HBOC). Identifiers: Orphanet 145, MedGen C0677776, MeSH D061325, MONDO:0003582. Disease mechanism: loss of function.
Pilocytic astrocytoma. Also called: Pilocytic astrocytoma, somatic. Identifiers: Orphanet 251612, MedGen C0334583, MONDO:0016691, HP:0033680.
Breast-ovarian cancer, familial, susceptibility to, 2 (BROVCA2). Also called: BRCA2 Hereditary Breast and Ovarian Cancer. Identifiers: Orphanet 145, MedGen C2675520, MONDO:0012933, OMIM 612555. Disease mechanism: loss of function.

Allele frequency attached by ClinVar (database versions not stated): TOPMed below 0.00001; ExAC 0.00001.

Submissions 1 to 8 of 14:

Women's Health and Genetics/Laboratory Corporation of America, LabCorp
Classification: Uncertain significance. Last evaluated: 2025-12-31. Review status: criteria provided, single submitter. Criteria: LabCorp Variant Classification Summary - May 2015. Collection method: clinical testing. Allele origin: germline.
Comment: Variant summary: BRCA2 c.3503T>A (p.Met1168Lys) results in a non-conservative amino acid change in the encoded protein sequence. Algorithms developed to predict the effect of missense changes on protein structure and function are either unavailable or do not agree on the potential impact of this missense change. The variant allele was found at a frequency of 1.2e-05 in 250868 control chromosomes. The available data on variant occurrences in the general population are insufficient to allow any conclusion about variant significance. c.3503T>A has been observed in individual(s) affected with breast cancer, without strong evidence for causality (Subasioglu_2023, Corso_2024). In several cases it has been reported together with a second BRCA2 variant, c.3310A>C (p.Thr1104Pro), although phase was unspecified and the clinical significance is unclear (e.g. Subasioglu_2023, Corso_2024, Myriad BIC Database). These reports do not provide unequivocal conclusions about association of the variant with Hereditary Breast And Ovarian Cancer Syndrome. At least one publication reported experimental evidence evaluating the impact of the variant using a multiplexed NGS-based functional assay in mouse embryonic stem cells which examined cell viability and sensitivity to drug treatment (Biswas_2023). These results showed no damaging effect of this variant. The following publications have been ascertained in the context of this evaluation (PMID: 37922907, 38652475, 36605468). ClinVar contains an entry for this variant (Variation ID: 51479). Based on the evidence outlined above, the variant was classified as uncertain significance.

PreventionGenetics, part of Exact Sciences
Classification: Uncertain significance for BRCA2-related condition. Last evaluated: 2025-06-20. Review status: criteria provided, single submitter. Criteria: ACMG Guidelines, 2015. Collection method: clinical testing. Allele origin: germline.
Comment: The BRCA2 c.3503T>A variant is predicted to result in the amino acid substitution p.Met1168Lys. This variant has been reported in the literature in an individual with breast cancer and in an individual without breast cancer (Subaşıoğlu et al. 2023. PubMed ID: 36605468; Breast Cancer Association Consortium et al. 2021. PubMed ID: 33471991). Functional studies showed this variant does not negatively impact protein function (Biswas et al. 2023. PubMed ID: 37922907). This variant is reported in 0.0026% of alleles in individuals of European (Non-Finnish) descent in gnomAD. This variant has conflicting interpretations in ClinVar ranging from uncertain to likely benign. At this time, the clinical significance of this variant is uncertain due to the absence of conclusive functional and genetic evidence.

Labcorp Genetics (formerly Invitae), Labcorp
Classification: Uncertain significance for Hereditary breast ovarian cancer syndrome. Last evaluated: 2025-06-18. Review status: criteria provided, single submitter. Criteria: Invitae Variant Classification Sherloc (09022015). Collection method: clinical testing. Allele origin: germline.
Comment: This sequence change replaces methionine, which is neutral and non-polar, with lysine, which is basic and polar, at codon 1168 of the BRCA2 protein (p.Met1168Lys). This variant is present in population databases (rs80358598, gnomAD 0.002%). This variant has not been reported in the literature in individuals affected with BRCA2-related conditions. ClinVar contains an entry for this variant (Variation ID: 51479). Invitae Evidence Modeling of protein sequence and biophysical properties (such as structural, functional, and spatial information, amino acid conservation, physicochemical variation, residue mobility, and thermodynamic stability) indicates that this missense variant is not expected to disrupt BRCA2 protein function with a negative predictive value of 95%. RNA analysis performed to evaluate the impact of this missense change on mRNA splicing indicates it does not significantly alter splicing (internal data). In summary, the available evidence is currently insufficient to determine the role of this variant in disease. Therefore, it has been classified as a Variant of Uncertain Significance.

Center for Genomic Medicine, Rigshospitalet, Copenhagen University Hospital
Classification: Likely benign. Last evaluated: 2025-03-04. Review status: criteria provided, single submitter. Criteria: ACMG Guidelines, 2015. Collection method: clinical testing. Allele origin: germline.

Ambry Genetics
Classification: Likely benign for Hereditary cancer-predisposing syndrome. Last evaluated: 2024-07-18. Review status: criteria provided, single submitter. Criteria: Ambry Variant Classification Scheme 2023. Collection method: clinical testing. Allele origin: germline.

Quest Diagnostics Nichols Institute San Juan Capistrano
Classification: Uncertain significance. Last evaluated: 2024-04-17. Review status: criteria provided, single submitter. Criteria: Quest Diagnostics criteria. Collection method: clinical testing. Allele origin: unknown.
Comment: The BRCA2 c.3503T>A (p.Met1168Lys) variant has been reported in the published literature in an individual with breast cancer (PMID: 36605468 (2023)) and in two reportedly healthy individuals (PMID: 33471991 (2021), see also LOVD). This variant has been shown to have neutral effects on DNA repair-associated cell survival in a drug sensitivity assay (PMID: 37922907 (2023)), and described to be located in a region of the BRCA2 gene that is tolerant to missense sequence changes (PMID: 31911673 (2020)). The frequency of this variant in the general population, 0.000026 (3/113240 chromosomes (Genome Aggregation Database)), is uninformative in the assessment of its pathogenicity. Analysis of this variant using bioinformatics tools for the prediction of the effect of amino acid changes on protein structure and function yielded conflicting predictions that this variant is deleterious or benign. Based on the available information, we are unable to determine the clinical significance of this variant.

All of Us Research Program, National Institutes of Health
Classification: Uncertain significance for BRCA2-related cancer predisposition. Last evaluated: 2024-03-28. Review status: criteria provided, single submitter. Criteria: ACMG Guidelines, 2015. Collection method: clinical testing. Allele origin: germline. Inheritance: Autosomal dominant inheritance. Observed: 3 variant alleles, 3 heterozygotes.
Comment: This missense variant replaces methionine with lysine at codon 1168 of the BRCA2 protein. Computational prediction suggests that this variant may not impact protein structure and function (internally defined REVEL score threshold <= 0.5, PMID: 27666373). To our knowledge, functional studies have not been reported for this variant. This variant has been reported in two individuals affected with breast cancer and two unaffected individuals (DOI: 10.5603/OCP.2020.0026, PMID: 33471991; Leiden Open Variation Database DB-ID BRCA2_008073, 36605468). This variant has been identified in 3/250868 chromosomes in the general population by the Genome Aggregation Database (gnomAD). The available evidence is insufficient to determine the role of this variant in disease conclusively. Therefore, this variant is classified as a Variant of Uncertain Significance.

This study involves interpretation of variants in research participants for the purpose of population health screening. Participant phenotype was not available at the time of variant classification. Additional details can be found in publication PMID: 35346344, PMCID: PMC8962531

Color Diagnostics, LLC DBA Color Health
Classification: Uncertain significance for Hereditary cancer-predisposing syndrome. Last evaluated: 2023-09-18. Review status: criteria provided, single submitter. Criteria: ACMG Guidelines, 2015. Collection method: clinical testing. Allele origin: germline.
Comment: This missense variant replaces methionine with lysine at codon 1168 of the BRCA2 protein. Computational prediction suggests that this variant may not impact protein structure and function (internally defined REVEL score threshold <= 0.5, PMID: 27666373). To our knowledge, functional studies have not been reported for this variant. This variant has been reported in two individuals affected with breast cancer and two unaffected individuals (DOI: 10.5603/OCP.2020.0026, PMID: 33471991; Leiden Open Variation Database DB-ID BRCA2_008073, 36605468). This variant has been identified in 3/250868 chromosomes in the general population by the Genome Aggregation Database (gnomAD). The available evidence is insufficient to determine the role of this variant in disease conclusively. Therefore, this variant is classified as a Variant of Uncertain Significance.

NM_000059.4(BRCA2):c.3503T>A (p.Met1168Lys)

Gene: BRCA2 (BRCA2 DNA repair associated; plus strand). Cytogenetic location: 13q13.1.
Variant type: single nucleotide variant.
Coding change: c.3503T>A on transcript NM_000059.4 (MANE Select); coding-DNA position 3503, T replaced by A.
Protein change: p.Met1168Lys; replaces methionine 1168 with lysine.
Molecular consequence: missense variant.
Genome position (GRCh38, 1-based): chr13:32,337,858, T>A. VCF-style: chr13-32337858-T-A. GRCh37 (hg19) VCF-style: chr13-32911995-T-A.
Other names: short protein forms M1168K.
Identifiers: ClinVar variation 51479 (VCV000051479.40), dbSNP rs80358598, ClinGen allele CA018209.